The following is an entry in ClinVar:

ClinVar aggregate classification (germline): Uncertain significance (1 of 4 stars; one submission).

Submission:

Labcorp Genetics (formerly Invitae), Labcorp
Classification: Uncertain significance. Last evaluated: 2024-09-24. Review status: criteria provided, single submitter. Criteria: Invitae Variant Classification Sherloc (09022015). Collection method: clinical testing. Allele origin: germline.
Comment: This sequence change replaces asparagine, which is neutral and polar, with isoleucine, which is neutral and non-polar, at codon 737 of the GSN protein (p.Asn737Ile). This variant is not present in population databases (gnomAD no frequency). This variant has not been reported in the literature in individuals affected with GSN-related conditions. Invitae Evidence Modeling of protein sequence and biophysical properties (such as structural, functional, and spatial information, amino acid conservation, physicochemical variation, residue mobility, and thermodynamic stability) has been performed for this missense variant. However, the output from this modeling did not meet the statistical confidence thresholds required to predict the impact of this variant on GSN protein function. In summary, the available evidence is currently insufficient to determine the role of this variant in disease. Therefore, it has been classified as a Variant of Uncertain Significance.

NM_198252.3(GSN):c.2057A>T (p.Asn686Ile)

Gene: GSN (gelsolin; plus strand). Cytogenetic location: 9q33.2.
Variant type: single nucleotide variant.
Coding change: c.2057A>T on transcript NM_198252.3 (MANE Select); coding-DNA position 2057, A replaced by T.
Protein change: p.Asn686Ile; replaces asparagine 686 with isoleucine.
Molecular consequence: missense variant.
Genome position (GRCh38, 1-based): chr9:121,332,464, A>T. VCF-style: chr9-121332464-A-T. GRCh37 (hg19) VCF-style: chr9-124094742-A-T.
Other names: c.2081A>T, p.Asn694Ile (NM_001258030.2); c.2057A>T, p.Asn686Ile (NM_001353053.1, NM_001353054.1, NM_001353055.2 and 10 more transcripts); c.2090A>T, p.Asn697Ile (NM_001353071.2, NM_001353072.2, NM_001353073.2 and 13 more transcripts); c.2129A>T, p.Asn710Ile (NM_001353076.2); c.1403A>T, p.Asn468Ile (NM_001353078.2); c.2210A>T, p.Asn737Ile (NM_000177.5); c.2165A>T, p.Asn722Ile (NM_001127663.2); c.2108A>T, p.Asn703Ile (NM_001258029.2); short protein forms N697I, N703I, N722I, N694I, N710I, N737I, N686I, N468I.
Identifiers: ClinVar variation 3679666 (VCV003679666.2).
Genomic context (GRCh38, chr9:121,332,464, plus strand): 5'-GGTTTCCTTTTCTTGCACGTGTGTCTGCAGCTAAGCGGTACATCGAGACGGACCCAGCCA[A>T]TCGGGATCGGCGGACGCCCATCACCGTGGTGAAGCAAGGCTTTGAGCCTCCCTCCTTTGT-3'
Protein context (NP_937895.1, residues 676-696): AKRYIETDPA[Asn686Ile]RDRRTPITVV